The following is an entry in ClinVar:

ClinVar aggregate classification (germline): Likely pathogenic (1 of 4 stars; one submission).

Conditions:
Congenital lactic acidosis, Saguenay-Lac-Saint-Jean type (MC4DN5). Also called: CYTOCHROME c OXIDASE DEFICIENCY, FRENCH CANADIAN TYPE; COX DEFICIENCY, FRENCH CANADIAN TYPE; MITOCHONDRIAL COMPLEX IV DEFICIENCY, NUCLEAR TYPE 5. Identifiers: Orphanet 70472, MedGen C1857355, MONDO:0009069, OMIM 220111.

Submission:

Myriad Genetics, Inc.
Classification: Likely pathogenic for Congenital lactic acidosis, Saguenay-Lac-Saint-Jean type. Last evaluated: 2021-12-09. Review status: criteria provided, single submitter. Criteria: Myriad Women's Health Autosomal Recessive and X-Linked Classification Criteria (2021). Collection method: clinical testing. Allele origin: unknown.
Comment: NM_133259.3(LRPPRC):c.503T>A(L168*) is expected to be pathogenic in the context of Leigh syndrome, French-Canadian type. This variant is predicted to lead to an abnormal or absent protein product due to the creation of a premature termination codon in LRPPRC, a gene where loss-of-function variants are known to be pathogenic. Please note: this variant was assessed in the context of healthy population screening.

NM_133259.4(LRPPRC):c.503T>A (p.Leu168Ter)

Gene: LRPPRC (leucine rich pentatricopeptide repeat containing; minus strand). Cytogenetic location: 2p21.
Variant type: single nucleotide variant.
Coding change: c.503T>A on transcript NM_133259.4 (MANE Select); coding-DNA position 503, T replaced by A.
Protein change: p.Leu168Ter; replaces leucine 168 with a stop codon.
Molecular consequence: nonsense.
Genome position (GRCh38, 1-based): chr2:43,977,243, A>T on the plus strand (T>A on the coding strand, the complement: LRPPRC is on the minus strand). VCF-style: chr2-43977243-A-T. GRCh37 (hg19) VCF-style: chr2-44204382-A-T.
Other names: short protein forms L168*.
Identifiers: ClinVar variation 1726165 (VCV001726165.2), dbSNP rs2466676986, ClinGen allele CA346676087.
Genomic context (GRCh38, chr2:43,977,243, plus strand): 5'-ATTTTTGCCAGGAAATCAGTTGGTGAGAATTTATATTCATTTTGAAGATAGACTTTAAGT[A>T]AAGCATTATAGTGACTCACATCATACACAGCACCTACAAATGAAATTTAAAATGAATTTT-3'